The following is an entry in ClinVar:

ClinVar aggregate classification (germline): Pathogenic (1 of 4 stars; one submission).

Conditions:
Spondylodysplastic Ehlers-Danlos syndrome. Identifiers: Orphanet 536471, Orphanet 75496, MedGen C5680154, MONDO:0007526.

Submission:

Labcorp Genetics (formerly Invitae), Labcorp
Classification: Pathogenic for Spondylodysplastic Ehlers-Danlos syndrome. Last evaluated: 2025-11-28. Review status: criteria provided, single submitter. Criteria: Invitae Variant Classification Sherloc (09022015). Collection method: clinical testing. Allele origin: germline.
Comment: This sequence change creates a premature translational stop signal (p.Trp13*) in the B4GALT7 gene. It is expected to result in an absent or disrupted protein product. Loss-of-function variants in B4GALT7 are known to be pathogenic (PMID: 26940150, 31614862, 38431799). This variant is not present in population databases (gnomAD no frequency). This variant has not been reported in the literature in individuals affected with B4GALT7-related conditions. For these reasons, this variant has been classified as Pathogenic.

Literature cited by the submitters: PubMed 26940150; PubMed 31614862; PubMed 38431799.

NM_007255.3(B4GALT7):c.39G>A (p.Trp13Ter)

Genes: B4GALT7 (beta-1,4-galactosyltransferase 7; plus strand), LOC129995400 (ATAC-STARR-seq lymphoblastoid silent region 16704; plus strand). Cytogenetic location: 5q35.3.
Variant type: single nucleotide variant.
Coding change: c.39G>A on transcript NM_007255.3 (MANE Select); coding-DNA position 39, G replaced by A.
Protein change: p.Trp13Ter; replaces tryptophan 13 with a stop codon.
Molecular consequence: nonsense.
Genome position (GRCh38, 1-based): chr5:177,600,249, G>A. VCF-style: chr5-177600249-G-A. GRCh37 (hg19) VCF-style: chr5-177027250-G-A.
Other names: short protein forms W13*.
Identifiers: ClinVar variation 4759192 (VCV004759192.1).